The following is an entry in ClinVar:

NM_173651.4(FSIP2):c.1217A>C (p.Asn406Thr)

Gene: FSIP2 (fibrous sheath interacting protein 2; plus strand). Cytogenetic location: 2q32.1.
Variant type: single nucleotide variant.
Coding change: c.1217A>C on transcript NM_173651.4 (MANE Select); coding-DNA position 1217, A replaced by C.
Protein change: p.Asn406Thr; replaces asparagine 406 with threonine.
Molecular consequence: missense variant.
Genome position (GRCh38, 1-based): chr2:185,761,994, A>C. VCF-style: chr2-185761994-A-C. GRCh37 (hg19) VCF-style: chr2-186626721-A-C.
Other names: short protein forms N406T.
Identifiers: ClinVar variation 3049892 (VCV003049892.2), dbSNP rs115046550, ClinGen allele CA2016506.

ClinVar aggregate classification (germline): Likely benign (0 of 4 stars; one submission).

Conditions:
FSIP2-related disorder. Also called: FSIP2-related condition.

Allele frequency attached by ClinVar (database versions not stated): 1000 Genomes Project 0.00619; 1000 Genomes Project 30x 0.00718.
gnomAD v4.1: 1,900 of 1,485,854 alleles (0.13%); highest among the groups gnomAD compares: African/African-American, 2.4%; 27 homozygotes.

Submission:

PreventionGenetics, part of Exact Sciences
Classification: Likely benign for FSIP2-related condition. Last evaluated: 2024-08-30. Review status: no assertion criteria provided. Collection method: clinical testing. Allele origin: germline.
Comment: This variant is classified as likely benign based on ACMG/AMP sequence variant interpretation guidelines (Richards et al. 2015 PMID: 25741868, with internal and published modifications).